The following is an entry in ClinVar:

NM_015046.7(SETX):c.3057TGA[4] (p.Asp1023_Asp1024del)

Gene: SETX (senataxin; minus strand). Cytogenetic location: 9q34.13.
Variant type: Microsatellite.
Coding change: c.3057TGA[4] on transcript NM_015046.7 (MANE Select); four copies in a row of the 3-base unit TGA starting at c.3057; the reference has six copies in a row; two copies, 6 bases deleted.
Protein change: p.Asp1023_Asp1024del.
Molecular consequence: inframe deletion.
Genome position (GRCh38, 1-based): chr9:132,328,524-132,328,529, TCATCA deleted on the plus strand (TGATGA on the coding strand, the reverse complement: SETX is on the minus strand); deleting any 6 consecutive bases within chr9:132,328,524-132,328,541 gives the same sequence; the position shown is the placement nearest the transcript's 3' end. VCF-style (leftmost placement, unchanged base first): chr9-132328523-TTCATCA-T. GRCh37 (hg19) VCF-style: chr9-135203910-TTCATCA-T.
Other names: c.3057TGA[4], p.Asp1023_Asp1024del (NM_001351527.2, NM_001351528.2); c.3069_3074del6 (NM_015046.5); c.3069_3074delTGATGA (NM_015046.5).
Identifiers: ClinVar variation 536381 (VCV000536381.19), dbSNP rs572772837, ClinGen allele CA5297481.

ClinVar aggregate classification (germline): Conflicting classifications of pathogenicity. Review status: criteria provided, conflicting classifications (1 of 4 stars). 7 submissions from 6 submitters: Uncertain significance (6); Likely benign (1). Last evaluated 2026-04-23.

Conditions:
Inborn genetic diseases. Identifiers: MedGen C0950123, MeSH D030342.
Spinocerebellar ataxia, autosomal recessive, with axonal neuropathy 2 (SCAN2). Also called: Ataxia with Oculomotor Apraxia; Ataxia-ocular apraxia-2; ATAXIA-OCULOMOTOR APRAXIA 2; Ataxia with Oculomotor Apraxia Type 2. Identifiers: Orphanet 64753, MedGen C1853761, MONDO:0018996, OMIM 606002.
Amyotrophic lateral sclerosis type 4 (ALS4). Also called: AMYOTROPHIC LATERAL SCLEROSIS 4, JUVENILE; NEURONOPATHY, DISTAL HEREDITARY MOTOR, WITH PYRAMIDAL FEATURES. Identifiers: Orphanet 357043, MedGen C1865409, MONDO:0011223, OMIM 602433.
SETX-related disorder. Also called: SETX-related disorders; SETX-related condition. Identifiers: MedGen CN239403.

Submissions (7):

PreventionGenetics, part of Exact Sciences
Classification: Uncertain significance for SETX-related condition. Last evaluated: 2026-04-23. Review status: criteria provided, single submitter. Criteria: ACMG Guidelines, 2015. Collection method: clinical testing. Allele origin: germline.
Comment: The SETX c.3069_3074del6 variant is predicted to result in an in-frame deletion (p.Asp1023_Asp1024del). To our knowledge, this variant has not been reported in the literature. This variant is reported in 0.010% of alleles in individuals of East Asian descent in gnomAD. At this time, the clinical significance of this variant is uncertain due to the absence of conclusive functional and genetic evidence.

Ambry Genetics
Classification: Likely benign for Inborn genetic diseases. Last evaluated: 2025-09-03. Review status: criteria provided, single submitter. Criteria: Ambry Variant Classification Scheme 2023. Collection method: clinical testing. Allele origin: germline.

GeneDx
Classification: Uncertain significance. Last evaluated: 2025-04-23. Review status: criteria provided, single submitter. Criteria: GeneDx Variant Classification Process June 2021. Collection method: clinical testing. Allele origin: germline.
Comment: In-frame deletion of 2 of amino acid(s) in a repetitive region with no known function; Has not been previously published as pathogenic or benign to our knowledge

Women's Health and Genetics/Laboratory Corporation of America, LabCorp
Classification: Uncertain significance. Last evaluated: 2023-08-04. Review status: criteria provided, single submitter. Criteria: LabCorp Variant Classification Summary - May 2015. Collection method: clinical testing. Allele origin: germline.
Comment: Variant summary: SETX c.3069_3074delTGATGA (p.Asp1023_Asp1024del) results in an in-frame deletion that is predicted to remove two amino acids from the encoded protein. The variant allele was found at a frequency of 2.4e-05 in 250820 control chromosomes (gnomAD). The available data on variant occurrences in the general population are insufficient to allow any conclusion about variant significance. To our knowledge, no occurrence of c.3069_3074delTGATGA in individuals affected with Amyotrophic Lateral Sclerosis Type 4 and no experimental evidence demonstrating its impact on protein function have been reported. Four submitters have cited clinical-significance assessments for this variant to ClinVar after 2014. All submitters classified the variant as uncertain significance. Based on the evidence outlined above, the variant was classified as uncertain significance.

Labcorp Genetics (formerly Invitae), Labcorp
Classification: Uncertain significance for Amyotrophic lateral sclerosis type 4; Spinocerebellar ataxia, autosomal recessive, with axonal neuropathy 2. Last evaluated: 2023-06-29. Review status: criteria provided, single submitter. Criteria: Invitae Variant Classification Sherloc (09022015). Collection method: clinical testing. Allele origin: germline.
Comment: This variant, c.3069_3074del, results in the deletion of 2 amino acid(s) of the SETX protein (p.Asp1023_Asp1024del), but otherwise preserves the integrity of the reading frame. This variant is present in population databases (rs760025407, gnomAD 0.01%). This variant has not been reported in the literature in individuals affected with SETX-related conditions. ClinVar contains an entry for this variant (Variation ID: 536381). Experimental studies and prediction algorithms are not available or were not evaluated, and the functional significance of this variant is currently unknown. In summary, the available evidence is currently insufficient to determine the role of this variant in disease. Therefore, it has been classified as a Variant of Uncertain Significance.

Genome-Nilou Lab
Classification: Uncertain significance for Spinocerebellar ataxia, autosomal recessive, with axonal neuropathy 2. Last evaluated: 2023-02-08. Review status: criteria provided, single submitter. Criteria: ACMG Guidelines, 2015. Collection method: clinical testing. Allele origin: germline.

Genome-Nilou Lab
Classification: Uncertain significance for Amyotrophic lateral sclerosis type 4. Last evaluated: 2023-02-08. Review status: criteria provided, single submitter. Criteria: ACMG Guidelines, 2015. Collection method: clinical testing. Allele origin: germline.